The following is an entry in ClinVar:

ClinVar aggregate classification (germline): Uncertain significance (1 of 4 stars; one submission).

Submission:

CeGaT Center for Human Genetics Tuebingen
Classification: Uncertain significance. Last evaluated: 2025-11-01. Review status: criteria provided, single submitter. Criteria: CeGaT Center For Human Genetics Tuebingen Variant Classification Criteria Version 2. Collection method: clinical testing. Allele origin: germline. Affected: yes. Observed: 1 variant allele.
Comment: CIT: PM2

NM_001206999.2(CIT):c.3514A>G (p.Met1172Val)

Gene: CIT (citron rho-interacting serine/threonine kinase; minus strand). Cytogenetic location: 12q24.23.
Variant type: single nucleotide variant.
Coding change: c.3514A>G on transcript NM_001206999.2 (MANE Select); coding-DNA position 3514, A replaced by G.
Protein change: p.Met1172Val; replaces methionine 1172 with valine.
Molecular consequence: missense variant.
Genome position (GRCh38, 1-based): chr12:119,728,579, T>C on the plus strand (A>G on the coding strand, the complement: CIT is on the minus strand). VCF-style: chr12-119728579-T-C. GRCh37 (hg19) VCF-style: chr12-120166384-T-C.
Other names: c.3388A>G, p.Met1130Val (NM_007174.3); short protein forms M1130V, M1172V.
Identifiers: ClinVar variation 4535423 (VCV004535423.6).